The following is an entry in ClinVar:

ClinVar aggregate classification (germline): Uncertain significance. Review status: criteria provided, multiple submitters, no conflicts (2 of 4 stars). 3 submissions from 3 submitters: Uncertain significance (2). 1 of the submissions does not count toward it. Last evaluated 2022-09-06.

Conditions:
Autosomal dominant Parkinson disease 8. Also called: Parkinson disease 8, susceptibility to; LRRK2-Related Parkinson Disease; Parkinson disease 8. Identifiers: Orphanet 411602, MedGen C1846862, MONDO:0011764, OMIM 607060.
LRRK2-related disorder. Also called: LRRK2-related condition.

Allele frequency attached by ClinVar (database versions not stated): gnomAD 0.00001; gnomAD exomes 0.00001; TOPMed 0.00001.
gnomAD v4.1: 7 of 1,613,704 alleles (0.00043%); highest among the groups gnomAD compares: Non-Finnish European, 0.00059%; no homozygotes.

Submissions (3):

Labcorp Genetics (formerly Invitae), Labcorp
Classification: Uncertain significance for Autosomal dominant Parkinson disease 8. Last evaluated: 2022-09-06. Review status: criteria provided, single submitter. Criteria: Invitae Variant Classification Sherloc (09022015). Collection method: clinical testing. Allele origin: germline.
Comment: In summary, the available evidence is currently insufficient to determine the role of this variant in disease. Therefore, it has been classified as a Variant of Uncertain Significance. Algorithms developed to predict the effect of missense changes on protein structure and function output the following: SIFT: "Tolerated"; PolyPhen-2: "Benign"; Align-GVGD: "Class C0". The isoleucine amino acid residue is found in multiple mammalian species, which suggests that this missense change does not adversely affect protein function. ClinVar contains an entry for this variant (Variation ID: 1345066). This variant has not been reported in the literature in individuals affected with LRRK2-related conditions. This variant is not present in population databases (gnomAD no frequency). This sequence change replaces valine, which is neutral and non-polar, with isoleucine, which is neutral and non-polar, at codon 2074 of the LRRK2 protein (p.Val2074Ile).

Fulgent Genetics
Classification: Uncertain significance for Autosomal dominant Parkinson disease 8. Last evaluated: 2021-08-26. Review status: criteria provided, single submitter. Criteria: ACMG Guidelines, 2015. Collection method: clinical testing. Allele origin: unknown.

PreventionGenetics, part of Exact Sciences
Classification: Uncertain significance for LRRK2-related condition. Last evaluated: 2024-02-21. Review status: no assertion criteria provided. Collection method: clinical testing. Allele origin: germline. Not counted in ClinVar's aggregate classification.
Comment: The LRRK2 c.6220G>A variant is predicted to result in the amino acid substitution p.Val2074Ile. To our knowledge, this variant has not been reported in the literature or in a large population database, indicating this variant is rare. At this time, the clinical significance of this variant is uncertain due to the absence of conclusive functional and genetic evidence.

NM_198578.4(LRRK2):c.6220G>A (p.Val2074Ile)

Gene: LRRK2 (leucine rich repeat kinase 2; plus strand). Cytogenetic location: 12q12.
Variant type: single nucleotide variant.
Coding change: c.6220G>A on transcript NM_198578.4 (MANE Select); coding-DNA position 6220, G replaced by A.
Protein change: p.Val2074Ile; replaces valine 2074 with isoleucine.
Molecular consequence: missense variant.
Genome position (GRCh38, 1-based): chr12:40,346,863, G>A. VCF-style: chr12-40346863-G-A. GRCh37 (hg19) VCF-style: chr12-40740665-G-A.
Other names: c.6220G>A (NM_198578.3); short protein forms V2074I.
Identifiers: ClinVar variation 1345066 (VCV001345066.9), dbSNP rs200498558, ClinGen allele CA235338806.